The following is an entry in ClinVar:

ClinVar aggregate classification (germline): Uncertain significance (1 of 4 stars; one submission).

Submission:

Labcorp Genetics (formerly Invitae), Labcorp
Classification: Uncertain significance. Last evaluated: 2022-11-11. Review status: criteria provided, single submitter. Criteria: Invitae Variant Classification Sherloc (09022015). Collection method: clinical testing. Allele origin: germline.
Comment: This sequence change replaces glutamic acid, which is acidic and polar, with leucine, which is neutral and non-polar, at codon 25 of the TRAPPC12 protein (p.Glu25Leu). This variant is present in population databases (no rsID available, gnomAD 0.5%). This variant has not been reported in the literature in individuals affected with TRAPPC12-related conditions. Experimental studies and prediction algorithms are not available or were not evaluated, and the functional significance of this variant is currently unknown. In summary, the available evidence is currently insufficient to determine the role of this variant in disease. Therefore, it has been classified as a Variant of Uncertain Significance.

NM_016030.6(TRAPPC12):c.73_74delinsTT (p.Glu25Leu)

Gene: TRAPPC12 (trafficking protein particle complex subunit 12; plus strand). Cytogenetic location: 2p25.3.
Variant type: Indel.
Coding change: c.73_74delinsTT on transcript NM_016030.6 (MANE Select); coding-DNA positions 73 to 74, GA replaced by TT.
Protein change: p.Glu25Leu; replaces glutamic acid 25 with leucine.
Molecular consequence: missense variant.
Genome position (GRCh38, 1-based): chr2:3,387,696-3,387,697, GA replaced by TT. VCF-style: chr2-3387696-GA-TT. GRCh37 (hg19) VCF-style: chr2-3391467-GA-TT.
Other names: c.73_74delinsTT, p.Glu25Leu (NM_001321102.2); short protein forms E25L.
Identifiers: ClinVar variation 2901969 (VCV002901969.3), dbSNP rs2528224173, ClinGen allele CA2739274117.